The following is an entry in ClinVar:

ClinVar aggregate classification (germline): Uncertain significance. Review status: criteria provided, multiple submitters, no conflicts (2 of 4 stars). 2 submissions from 2 submitters: Uncertain significance (2). Last evaluated 2025-06-17.

Conditions:
Retinitis pigmentosa 59 (RP59). Identifiers: Orphanet 791, MedGen C3151227, MONDO:0013468, OMIM 613861.

Allele frequency attached by ClinVar (database versions not stated): gnomAD exomes 0.00001; TOPMed 0.00002.

Submissions (2):

Labcorp Genetics (formerly Invitae), Labcorp
Classification: Uncertain significance for Retinitis pigmentosa 59. Last evaluated: 2025-06-17. Review status: criteria provided, single submitter. Criteria: Invitae Variant Classification Sherloc (09022015). Collection method: clinical testing. Allele origin: germline.
Comment: This sequence change replaces arginine, which is basic and polar, with histidine, which is basic and polar, at codon 196 of the DHDDS protein (p.Arg196His). This variant is present in population databases (no rsID available, gnomAD 0.0009%). This variant has not been reported in the literature in individuals affected with DHDDS-related conditions. ClinVar contains an entry for this variant (Variation ID: 1412993). Invitae Evidence Modeling of protein sequence and biophysical properties (such as structural, functional, and spatial information, amino acid conservation, physicochemical variation, residue mobility, and thermodynamic stability) indicates that this missense variant is not expected to disrupt DHDDS protein function with a negative predictive value of 80%. In summary, the available evidence is currently insufficient to determine the role of this variant in disease. Therefore, it has been classified as a Variant of Uncertain Significance.

Breakthrough Genomics
Classification: Uncertain significance. Review status: criteria provided, single submitter. Criteria: ACMG Guidelines, 2015. Collection method: not provided. Allele origin: germline. Inheritance: Autosomal recessive inheritance. Affected: yes.

NM_205861.3(DHDDS):c.587G>A (p.Arg196His)

Gene: DHDDS (dehydrodolichyl diphosphate synthase subunit; plus strand). Cytogenetic location: 1p36.11.
Variant type: single nucleotide variant.
Coding change: c.587G>A on transcript NM_205861.3 (MANE Select); coding-DNA position 587, G replaced by A.
Protein change: p.Arg196His; replaces arginine 196 with histidine.
Molecular consequence: missense variant.
Genome position (GRCh38, 1-based): chr1:26,457,835, G>A. VCF-style: chr1-26457835-G-A. GRCh37 (hg19) VCF-style: chr1-26784326-G-A.
Other names: c.485G>A, p.Arg162His (NM_001243564.2); c.470G>A, p.Arg157His (NM_001243565.2); c.308G>A, p.Arg103His (NM_001319959.2); c.587G>A, p.Arg196His (NM_024887.4); short protein forms R157H, R196H, R162H, R103H.
Identifiers: ClinVar variation 1412993 (VCV001412993.7), dbSNP rs912516570, ClinGen allele CA19774796.